The following is an entry in ClinVar:

NM_002381.5(MATN3):c.355G>A (p.Asp119Asn)

Gene: MATN3 (matrilin 3; minus strand). Cytogenetic location: 2p24.1.
Variant type: single nucleotide variant.
Coding change: c.355G>A on transcript NM_002381.5 (MANE Select); coding-DNA position 355, G replaced by A.
Protein change: p.Asp119Asn; replaces aspartic acid 119 with asparagine.
Molecular consequence: missense variant.
Genome position (GRCh38, 1-based): chr2:20,006,179, C>T on the plus strand (G>A on the coding strand, the complement: MATN3 is on the minus strand). VCF-style: chr2-20006179-C-T. GRCh37 (hg19) VCF-style: chr2-20205940-C-T.
Other names: short protein forms D119N.
Identifiers: ClinVar variation 1506836 (VCV001506836.8), dbSNP rs772861123, ClinGen allele CA1543981.
Genomic context (GRCh38, chr2:20,006,179, plus strand): 5'-CCTGGAGTTGGAACTCGATCTTCACAGTGCTAGCATAGTTCACCACTGCCACCCGCGTGT[C>T]GGCTGGCCCAATGTCCAGAGTGTCGATTATCCGGGAGACAAAAGTTTTCACTTTGGTGAA-3'
Protein context (NP_002372.1, residues 109-129): IIDTLDIGPA[Asp119Asn]TRVAVVNYAS

ClinVar aggregate classification (germline): Uncertain significance (1 of 4 stars; one submission).

Allele frequency attached by ClinVar (database versions not stated): ExAC 0.00001; gnomAD 0.00001; gnomAD exomes 0.00001; TOPMed 0.00002.
gnomAD v4.1: 66 of 1,613,836 alleles (0.0041%); highest among the groups gnomAD compares: Non-Finnish European, 0.0054%; no homozygotes.

Submission:

Labcorp Genetics (formerly Invitae), Labcorp
Classification: Uncertain significance. Last evaluated: 2022-08-09. Review status: criteria provided, single submitter. Criteria: Invitae Variant Classification Sherloc (09022015). Collection method: clinical testing. Allele origin: germline.
Comment: In summary, the available evidence is currently insufficient to determine the role of this variant in disease. Therefore, it has been classified as a Variant of Uncertain Significance. Algorithms developed to predict the effect of missense changes on protein structure and function (SIFT, PolyPhen-2, Align-GVGD) all suggest that this variant is likely to be tolerated. This sequence change replaces aspartic acid, which is acidic and polar, with asparagine, which is neutral and polar, at codon 119 of the MATN3 protein (p.Asp119Asn). This variant is present in population databases (rs772861123, gnomAD 0.003%). This variant has not been reported in the literature in individuals affected with MATN3-related conditions. ClinVar contains an entry for this variant (Variation ID: 1506836).